The following is an entry in ClinVar:

NM_001377.3(DYNC2H1):c.4477T>A (p.Ser1493Thr)

Gene: DYNC2H1 (dynein cytoplasmic 2 heavy chain 1; plus strand). Cytogenetic location: 11q22.3.
Variant type: single nucleotide variant.
Coding change: c.4477T>A on transcript NM_001377.3 (MANE Select); coding-DNA position 4477, T replaced by A.
Protein change: p.Ser1493Thr; replaces serine 1493 with threonine.
Molecular consequence: missense variant.
Genome position (GRCh38, 1-based): chr11:103,161,030, T>A. VCF-style: chr11-103161030-T-A. GRCh37 (hg19) VCF-style: chr11-103031759-T-A.
Other names: c.4477T>A, p.Ser1493Thr (NM_001080463.2); c.4477T>A (NM_001080463.1); short protein forms S1493T.
Identifiers: ClinVar variation 1537836 (VCV001537836.10), dbSNP rs748170980, ClinGen allele CA6253561.

ClinVar aggregate classification (germline): Conflicting classifications of pathogenicity. Review status: criteria provided, conflicting classifications (1 of 4 stars). 4 submissions from 4 submitters: Uncertain significance (3); Likely benign (1). Last evaluated 2026-01-02.

Conditions:
Jeune thoracic dystrophy. Also called: Jeune syndrome; Infantile thoracic dystrophy; Thoracic pelvic phalangeal dystrophy; Jeune's syndrome; Chondroectodermal dysplasia-like syndrome; Short-rib thoracic dysplasia. Identifiers: Orphanet 474, MedGen C0265275, MONDO:0018770.
Inborn genetic diseases. Identifiers: MedGen C0950123, MeSH D030342.

Allele frequency attached by ClinVar (database versions not stated): gnomAD 0.00001; gnomAD exomes 0.00002 and 0.00007; TOPMed 0.00002; ExAC 0.00006.
gnomAD v4.1: 37 of 1,485,024 alleles (0.0025%); highest among the groups gnomAD compares: Non-Finnish European, 0.00045%; no homozygotes.

Submissions (4):

Labcorp Genetics (formerly Invitae), Labcorp
Classification: Likely benign for Jeune thoracic dystrophy. Last evaluated: 2026-01-02. Review status: criteria provided, single submitter. Criteria: Invitae Variant Classification Sherloc (09022015). Collection method: clinical testing. Allele origin: germline.

Ambry Genetics
Classification: Uncertain significance for Inborn genetic diseases. Last evaluated: 2024-12-05. Review status: criteria provided, single submitter. Criteria: Ambry Variant Classification Scheme 2023. Collection method: clinical testing. Allele origin: germline.

GeneDx
Classification: Uncertain significance. Last evaluated: 2024-05-06. Review status: criteria provided, single submitter. Criteria: GeneDx Variant Classification Process June 2021. Collection method: clinical testing. Allele origin: germline. Affected: yes.
Comment: In silico analysis indicates that this missense variant does not alter protein structure/function; Has not been previously published as pathogenic or benign to our knowledge

Blueprint Genetics
Classification: Uncertain significance. Last evaluated: 2024-03-02. Review status: criteria provided, single submitter. Criteria: ACMG Guidelines, 2015. Collection method: clinical testing. Allele origin: germline.